The following is an entry in ClinVar:

ClinVar aggregate classification (germline): Uncertain significance. Review status: criteria provided, multiple submitters, no conflicts (2 of 4 stars). 2 submissions from 2 submitters: Uncertain significance (2). Last evaluated 2021-10-20.

Allele frequency attached by ClinVar (database versions not stated): TOPMed below 0.00001; gnomAD exomes 0.00001.
gnomAD v4.1: 3 of 1,551,890 alleles (0.00019%); highest among the groups gnomAD compares: African/African-American, 0.0027%; no homozygotes.

Submissions (2):

Labcorp Genetics (formerly Invitae), Labcorp
Classification: Uncertain significance. Last evaluated: 2021-10-20. Review status: criteria provided, single submitter. Criteria: Invitae Variant Classification Sherloc (09022015). Collection method: clinical testing. Allele origin: germline.
Comment: This sequence change replaces arginine with cysteine at codon 2129 of the UNC80 protein (p.Arg2129Cys). The arginine residue is moderately conserved and there is a large physicochemical difference between arginine and cysteine. In summary, the available evidence is currently insufficient to determine the role of this variant in disease. Therefore, it has been classified as a Variant of Uncertain Significance. Algorithms developed to predict the effect of missense changes on protein structure and function are either unavailable or do not agree on the potential impact of this missense change (SIFT: "Not Available"; PolyPhen-2: "Probably Damaging"; Align-GVGD: "Not Available"). This variant has not been reported in the literature in individuals affected with UNC80-related conditions. This variant is not present in population databases (ExAC no frequency).

Breakthrough Genomics
Classification: Uncertain significance. Review status: criteria provided, single submitter. Criteria: ACMG Guidelines, 2015. Collection method: not provided. Allele origin: germline. Inheritance: Autosomal recessive inheritance. Affected: yes.

NM_001371986.1(UNC80):c.6583C>T (p.Arg2195Cys)

Gene: UNC80 (unc-80 subunit of NALCN channel complex; plus strand). Cytogenetic location: 2q34.
Variant type: single nucleotide variant.
Coding change: c.6583C>T on transcript NM_001371986.1 (MANE Select); coding-DNA position 6583, C replaced by T.
Protein change: p.Arg2195Cys; replaces arginine 2195 with cysteine.
Molecular consequence: missense variant.
Genome position (GRCh38, 1-based): chr2:209,939,589, C>T. VCF-style: chr2-209939589-C-T. GRCh37 (hg19) VCF-style: chr2-210804313-C-T.
Other names: c.6385C>T, p.Arg2129Cys (NM_032504.2); c.6370C>T, p.Arg2124Cys (NM_182587.4); short protein forms R2124C, R2129C, R2195C.
Identifiers: ClinVar variation 1498299 (VCV001498299.7), dbSNP rs926523476, ClinGen allele CA65042443.